The following is an entry in ClinVar:

NM_057175.5(NAA15):c.359T>C (p.Leu120Pro)

Gene: NAA15 (N-alpha-acetyltransferase 15, NatA auxiliary subunit; plus strand). Cytogenetic location: 4q31.1.
Variant type: single nucleotide variant.
Coding change: c.359T>C on transcript NM_057175.5 (MANE Select); coding-DNA position 359, T replaced by C.
Protein change: p.Leu120Pro; replaces leucine 120 with proline.
Molecular consequence: missense variant.
Genome position (GRCh38, 1-based): chr4:139,341,026, T>C. VCF-style: chr4-139341026-T-C. GRCh37 (hg19) VCF-style: chr4-140262180-T-C.
Other names: c.359T>C, p.Leu120Pro (NM_001410842.1); short protein forms L120P.
Identifiers: ClinVar variation 4888138 (VCV004888138.1).

ClinVar aggregate classification (germline): Likely pathogenic (1 of 4 stars; one submission).

Submission:

GeneDx
Classification: Likely pathogenic. Last evaluated: 2026-02-11. Review status: criteria provided, single submitter. Criteria: GeneDx Variant Classification Process June 2021. Collection method: clinical testing. Allele origin: germline.
Comment: Not observed at significant frequency in large population cohorts (gnomAD); In silico analysis supports that this missense variant has a deleterious effect on protein structure/function; Has not been previously published as pathogenic or benign to our knowledge